The following is an entry in ClinVar:

NM_000046.5(ARSB):c.288C>G (p.Ser96Arg)

Genes: ARSB (arylsulfatase B; minus strand), LOC129994126 (ATAC-STARR-seq lymphoblastoid silent region 16127; plus strand). Cytogenetic location: 5q14.1.
Variant type: single nucleotide variant.
Coding change: c.288C>G on transcript NM_000046.5 (MANE Select); coding-DNA position 288, C replaced by G.
Protein change: p.Ser96Arg; replaces serine 96 with arginine.
Molecular consequence: missense variant.
Genome position (GRCh38, 1-based): chr5:78,984,961, G>C on the plus strand (C>G on the coding strand, the complement: ARSB is on the minus strand). VCF-style: chr5-78984961-G-C. GRCh37 (hg19) VCF-style: chr5-78280784-G-C.
Other names: c.288C>G, p.Ser96Arg (NM_198709.3); short protein forms S96R.
Identifiers: ClinVar variation 445293 (VCV000445293.5), dbSNP rs1554032095, ClinGen allele CA360196384.

ClinVar aggregate classification (germline): Conflicting classifications of pathogenicity. Review status: criteria provided, conflicting classifications (1 of 4 stars). 3 submissions from 3 submitters: Pathogenic (1); Uncertain significance (2). Last evaluated 2024-11-20.

Conditions:
Mucopolysaccharidosis type 6 (MPS6). Also called: N-ACETYLGALACTOSAMINE-4-SULFATASE DEFICIENCY; MPS 6; Maroteaux Lamy syndrome; MPS VI; ARSB DEFICIENCY; ARYLSULFATASE B DEFICIENCY. Identifiers: Orphanet 583, MedGen C0026709, MONDO:0009661, OMIM 253200.

Allele frequency attached by ClinVar (database versions not stated): gnomAD exomes below 0.00001.
gnomAD v4.1: 2 of 1,479,192 alleles (0.00014%); highest among the groups gnomAD compares: Non-Finnish European, 0.00018%; no homozygotes.

Submissions (3):

Women's Health and Genetics/Laboratory Corporation of America, LabCorp
Classification: Uncertain significance. Last evaluated: 2024-11-20. Review status: criteria provided, single submitter. Criteria: LabCorp Variant Classification Summary - May 2015. Collection method: clinical testing. Allele origin: germline.
Comment: Variant summary: ARSB c.288C>G (p.Ser96Arg) results in a non-conservative amino acid change in the encoded protein sequence. Five of five in-silico tools predict a damaging effect of the variant on protein function. The variant was absent in 142908 control chromosomes. The available data on variant occurrences in the general population are insufficient to allow any conclusion about variant significance. c.288C>G has been reported in the literature in one individual affected with Mucopolysaccharidosis Type VI (Maroteaux-Lamy Syndrome) (Karageorgos_2007). These report(s) do not provide unequivocal conclusions about association of the variant with Mucopolysaccharidosis Type VI (Maroteaux-Lamy Syndrome). To our knowledge, no experimental evidence demonstrating an impact on protein function has been reported. The following publication has been ascertained in the context of this evaluation (PMID: 17458871). ClinVar contains an entry for this variant (Variation ID: 445293). Based on the evidence outlined above, the variant was classified as uncertain significance.

Laboratory of Diagnosis and Therapy of Lysosomal Disorders, University of Padova
Classification: Uncertain significance for Mucopolysaccharidosis type 6. Last evaluated: 2018-01-01. Review status: criteria provided, single submitter. Criteria: ACMG Guidelines, 2015. Collection method: curation. Allele origin: germline. Affected: yes.
Comment: Absent from GnomAD (PM2)

Medical Molecular Genetics Department, National Research Center
Classification: Pathogenic for Mucopolysaccharidosis type 6. Last evaluated: 2015-12-01. Review status: criteria provided, single submitter. Criteria: ACMG Guidelines, 2015. Collection method: research. Allele origin: germline. Affected: yes. Observed: 1 variant allele.

Literature cited by the submitters: PubMed 17458871 (cited by 3 submitters); PubMed 30118150 (cited by Laboratory of Diagnosis and Therapy of Lysosomal Disorders, University of Padova).